The following is an entry in ClinVar:

NM_032119.4(ADGRV1):c.6595G>A (p.Glu2199Lys)

Gene: ADGRV1 (adhesion G protein-coupled receptor V1; plus strand). Cytogenetic location: 5q14.3.
Variant type: single nucleotide variant.
Coding change: c.6595G>A on transcript NM_032119.4 (MANE Select); coding-DNA position 6595, G replaced by A.
Protein change: p.Glu2199Lys; replaces glutamic acid 2199 with lysine.
Molecular consequence: missense variant. On other transcripts: non-coding transcript variant (1).
Genome position (GRCh38, 1-based): chr5:90,689,965, G>A. VCF-style: chr5-90689965-G-A. GRCh37 (hg19) VCF-style: chr5-89985782-G-A.
Other names: short protein forms E2199K.
Identifiers: ClinVar variation 1361300 (VCV001361300.6), dbSNP rs2149616215, ClinGen allele CA360366421.

ClinVar aggregate classification (germline): Uncertain significance (1 of 4 stars; one submission).

Submission:

Labcorp Genetics (formerly Invitae), Labcorp
Classification: Uncertain significance. Last evaluated: 2022-01-13. Review status: criteria provided, single submitter. Criteria: Invitae Variant Classification Sherloc (09022015). Collection method: clinical testing. Allele origin: germline.
Comment: This sequence change replaces glutamic acid, which is acidic and polar, with lysine, which is basic and polar, at codon 2199 of the ADGRV1 protein (p.Glu2199Lys). In summary, the available evidence is currently insufficient to determine the role of this variant in disease. Therefore, it has been classified as a Variant of Uncertain Significance. Algorithms developed to predict the effect of missense changes on protein structure and function are either unavailable or do not agree on the potential impact of this missense change (SIFT: "Deleterious"; PolyPhen-2: "Possibly Damaging"; Align-GVGD: "Class C0"). This variant has not been reported in the literature in individuals affected with ADGRV1-related conditions. This variant is not present in population databases (gnomAD no frequency).